The following is an entry in ClinVar:

ClinVar aggregate classification (germline): Likely benign (0 of 4 stars; one submission).

Conditions:
AQP3-related disorder. Also called: AQP3-related condition.

Allele frequency attached by ClinVar (database versions not stated): ESP Exome Variant Server 0.00015; 1000 Genomes Project 0.00020; TOPMed 0.00030; 1000 Genomes Project 30x 0.00031; gnomAD exomes 0.00070; gnomAD 0.00076; ExAC 0.00113.

Submission:

PreventionGenetics, part of Exact Sciences
Classification: Likely benign for AQP3-related condition. Last evaluated: 2023-01-12. Review status: no assertion criteria provided. Collection method: clinical testing. Allele origin: germline.
Comment: This variant is classified as likely benign based on ACMG/AMP sequence variant interpretation guidelines (Richards et al. 2015 PMID: 25741868, with internal and published modifications).

NM_004925.5(AQP3):c.*46T>G

Gene: AQP3 (aquaporin 3 (Gill blood group); minus strand). Cytogenetic location: 9p13.3.
Variant type: single nucleotide variant.
Coding change: c.*46T>G on transcript NM_004925.5 (MANE Select); 46 bases downstream of the stop codon, T replaced by G.
Molecular consequence: 3 prime UTR variant. On other transcripts: missense variant (1).
Genome position (GRCh38, 1-based): chr9:33,441,997, A>C on the plus strand (T>G on the coding strand, the complement: AQP3 is on the minus strand). VCF-style: chr9-33441997-A-C. GRCh37 (hg19) VCF-style: chr9-33441995-A-C.
Other names: c.707T>G, p.Ile236Ser (NM_001318144.2); short protein forms I236S.
Identifiers: ClinVar variation 3052003 (VCV003052003.2), dbSNP rs373432319, ClinGen allele CA5026285.